The following is an entry in ClinVar:

ClinVar aggregate classification (germline): Uncertain significance (1 of 4 stars; one submission).

Conditions:
Hereditary cancer-predisposing syndrome. Also called: Hereditary Cancer Syndrome; Hereditary neoplastic syndrome; Tumor predisposition; Neoplastic Syndromes, Hereditary. Identifiers: Orphanet 140162, MedGen C0027672, MeSH D009386, MONDO:0015356.

Submission:

Ambry Genetics
Classification: Uncertain significance for Hereditary cancer-predisposing syndrome. Last evaluated: 2024-09-27. Review status: criteria provided, single submitter. Criteria: Ambry Variant Classification Scheme 2023. Collection method: clinical testing. Allele origin: germline.
Comment: The c.3374_3375delGCinsAA variant (also known as p.G1125E), located in coding exon 21 of the ALK gene, results from an in-frame deletion of GC and insertion of AA at nucleotide positions 3374 to 3375. This results in the substitution of the glycine residue for a glutamic acid residue at codon 1125, an amino acid with similar properties. This amino acid position is highly conserved in available vertebrate species. In addition, this alteration is predicted to be deleterious by in silico analysis (Choi Y et al. PLoS ONE. 2012; 7(10):e46688). Based on the available evidence, the clinical significance of this variant remains unclear.

NM_004304.5(ALK):c.3374_3375delinsAA (p.Gly1125Glu)

Gene: ALK (ALK receptor tyrosine kinase; minus strand). Cytogenetic location: 2p23.2.
Variant type: Indel.
Coding change: c.3374_3375delinsAA on transcript NM_004304.5 (MANE Select); coding-DNA positions 3374 to 3375, GC replaced by AA.
Protein change: p.Gly1125Glu; replaces glycine 1125 with glutamic acid.
Molecular consequence: missense variant.
Genome position (GRCh38, 1-based): chr2:29,222,592-29,222,593, GC replaced by TT on the plus strand (GC replaced by AA on the coding strand, the reverse complement: ALK is on the minus strand). VCF-style: chr2-29222592-GC-TT. GRCh37 (hg19) VCF-style: chr2-29445458-GC-TT.
Other names: c.170_171delinsAA, p.Gly57Glu (NM_001353765.2); short protein forms G1125E, G57E.
Identifiers: ClinVar variation 3524768 (VCV003524768.1).